The following is an entry in ClinVar:

NM_000104.4(CYP1B1):c.1400_1411del (p.Lys467_Cys470del)

Genes: CYP1B1 (cytochrome P450 family 1 subfamily B member 1; minus strand), LOC128772254 (melanoma risk locus-associated MPRA allelic enhancer 2:38298139; plus strand). Cytogenetic location: 2p22.2.
Variant type: Deletion.
Coding change: c.1400_1411del on transcript NM_000104.4 (MANE Select); coding-DNA positions 1400 to 1411, 12 bases deleted (AAAGGCGGTGCA).
Protein change: p.Lys467_Cys470del.
Molecular consequence: inframe deletion.
Genome position (GRCh38, 1-based): chr2:38,070,943-38,070,954, TGCACCGCCTTT deleted on the plus strand (AAAGGCGGTGCA on the coding strand, the reverse complement: CYP1B1 is on the minus strand); deleting any 12 consecutive bases within chr2:38,070,943-38,070,957 gives the same sequence; the c. name uses the placement nearest the transcript's 3' end. VCF-style (leftmost placement, unchanged base first): chr2-38070942-ATGCACCGCCTTT-A. GRCh37 (hg19) VCF-style: chr2-38298085-ATGCACCGCCTTT-A.
Identifiers: ClinVar variation 2843498 (VCV002843498.3), dbSNP rs2465878490, ClinGen allele CA2739274323.

ClinVar aggregate classification (germline): Pathogenic (1 of 4 stars; one submission).

Conditions:
Congenital glaucoma. Identifiers: MedGen C0020302, MONDO:0020366.

Submission:

Labcorp Genetics (formerly Invitae), Labcorp
Classification: Pathogenic for Congenital glaucoma. Last evaluated: 2023-04-14. Review status: criteria provided, single submitter. Criteria: Invitae Variant Classification Sherloc (09022015). Collection method: clinical testing. Allele origin: germline.
Comment: This variant, c.1400_1411del, results in the deletion of 4 amino acid(s) of the CYP1B1 protein (p.Lys467_Cys470del), but otherwise preserves the integrity of the reading frame. For these reasons, this variant has been classified as Pathogenic. This variant disrupts a region of the CYP1B1 protein in which other variant(s) (p.Arg469Trp) have been determined to be pathogenic (PMID: 18852424, 19234632, 27243976, 27508083). This suggests that this is a clinically significant region of the protein, and that variants that disrupt it are likely to be disease-causing. This variant has not been reported in the literature in individuals affected with CYP1B1-related conditions. This variant is not present in population databases (gnomAD no frequency).

Literature cited by the submitters: PubMed 18852424; PubMed 19234632; PubMed 27243976; PubMed 27508083.